The following is an entry in ClinVar:

NM_004260.4(RECQL4):c.169G>A (p.Gly57Ser)

Genes: RECQL4 (RecQ like helicase 4; minus strand), LOC130001411 (ATAC-STARR-seq lymphoblastoid silent region 19699; plus strand). Cytogenetic location: 8q24.3.
Variant type: single nucleotide variant.
Coding change: c.169G>A on transcript NM_004260.4 (MANE Select); coding-DNA position 169, G replaced by A.
Protein change: p.Gly57Ser; replaces glycine 57 with serine.
Molecular consequence: missense variant.
Genome position (GRCh38, 1-based): chr8:144,517,458, C>T on the plus strand (G>A on the coding strand, the complement: RECQL4 is on the minus strand). VCF-style: chr8-144517458-C-T. GRCh37 (hg19) VCF-style: chr8-145742842-C-T.
Other names: short protein forms G57S.
Identifiers: ClinVar variation 406986 (VCV000406986.6), dbSNP rs1060501373, ClinGen allele CA16612564.

ClinVar aggregate classification (germline): Uncertain significance. Review status: criteria provided, multiple submitters, no conflicts (2 of 4 stars). 2 submissions from 2 submitters: Uncertain significance (2). Last evaluated 2025-02-26.

Conditions:
Inborn genetic diseases. Identifiers: MedGen C0950123, MeSH D030342.
Baller-Gerold syndrome (BGS). Also called: CRANIOSYNOSTOSIS WITH RADIAL DEFECTS. Identifiers: Orphanet 1225, MedGen C0265308, MONDO:0009039, OMIM 218600.

Allele frequency attached by ClinVar (database versions not stated): gnomAD 0.00001; TOPMed 0.00001.
gnomAD v4.1: 5 of 1,594,628 alleles (0.00031%); highest among the groups gnomAD compares: Non-Finnish European, 0.00034%; no homozygotes.

Submissions (2):

Labcorp Genetics (formerly Invitae), Labcorp
Classification: Uncertain significance for Baller-Gerold syndrome. Last evaluated: 2025-02-26. Review status: criteria provided, single submitter. Criteria: Invitae Variant Classification Sherloc (09022015). Collection method: clinical testing. Allele origin: germline.
Comment: This sequence change replaces glycine, which is neutral and non-polar, with serine, which is neutral and polar, at codon 57 of the RECQL4 protein (p.Gly57Ser). The frequency data for this variant in the population databases is considered unreliable, as metrics indicate poor data quality at this position in the gnomAD database. This variant has not been reported in the literature in individuals affected with RECQL4-related conditions. ClinVar contains an entry for this variant (Variation ID: 406986). Experimental studies and prediction algorithms are not available or were not evaluated, and the functional significance of this variant is currently unknown. In summary, the available evidence is currently insufficient to determine the role of this variant in disease. Therefore, it has been classified as a Variant of Uncertain Significance.

Ambry Genetics
Classification: Uncertain significance for Inborn genetic diseases. Last evaluated: 2024-12-08. Review status: criteria provided, single submitter. Criteria: Ambry Variant Classification Scheme 2023. Collection method: clinical testing. Allele origin: germline.
Comment: The p.G57S variant (also known as c.169G>A), located in coding exon 3 of the RECQL4 gene, results from a G to A substitution at nucleotide position 169. The glycine at codon 57 is replaced by serine, an amino acid with similar properties. This amino acid position is conserved. In addition, this alteration is predicted to be tolerated by in silico analysis. Based on the available evidence, the clinical significance of this variant remains unclear.